The following is an entry in ClinVar:

NM_138459.5(NUS1):c.554A>T (p.His185Leu)

Gene: NUS1 (NUS1 dehydrodolichyl diphosphate synthase subunit; plus strand). Cytogenetic location: 6q22.1.
Variant type: single nucleotide variant.
Coding change: c.554A>T on transcript NM_138459.5 (MANE Select); coding-DNA position 554, A replaced by T.
Protein change: p.His185Leu; replaces histidine 185 with leucine.
Molecular consequence: missense variant.
Genome position (GRCh38, 1-based): chr6:117,694,043, A>T. VCF-style: chr6-117694043-A-T. GRCh37 (hg19) VCF-style: chr6-118015206-A-T.
Other names: short protein forms H185L.
Identifiers: ClinVar variation 2790587 (VCV002790587.3), dbSNP rs1474271739, ClinGen allele CA365536930.
Genomic context (GRCh38, chr6:117,694,043, plus strand): 5'-ACCTGGAAGAGAGTGTTTTTAAAATACATTGTTTGTTTTTTCTTCCAGTTTTAAATTGCC[A>T]TTTGGCAGTGAAGGTGCTGTCTCCGGAAGATGGAAAAGCAGATATTGTAAGAGCTGCTCA-3'
Protein context (NP_612468.1, residues 175-195): NDKDDQVLNC[His185Leu]LAVKVLSPED

ClinVar aggregate classification (germline): Uncertain significance (1 of 4 stars; one submission).

Conditions:
Congenital disorder of glycosylation, type Iaa. Also called: Congenital disorder of glycosylation, type 1aa. Identifiers: MedGen C4310727, MONDO:0014904, OMIM 617082.

Submission:

Labcorp Genetics (formerly Invitae), Labcorp
Classification: Uncertain significance for Congenital disorder of glycosylation, type Iaa. Last evaluated: 2023-07-13. Review status: criteria provided, single submitter. Criteria: Invitae Variant Classification Sherloc (09022015). Collection method: clinical testing. Allele origin: germline.
Comment: In summary, the available evidence is currently insufficient to determine the role of this variant in disease. Therefore, it has been classified as a Variant of Uncertain Significance. An algorithm developed to predict the effect of missense changes on protein structure and function (PolyPhen-2) suggests that this variant is likely to be tolerated. This variant has not been reported in the literature in individuals affected with NUS1-related conditions. This variant is not present in population databases (gnomAD no frequency). This sequence change replaces histidine, which is basic and polar, with leucine, which is neutral and non-polar, at codon 185 of the NUS1 protein (p.His185Leu).